The following is an entry in ClinVar:

NM_015378.4(VPS13D):c.4351C>T (p.Arg1451Trp)

Gene: VPS13D (vacuolar protein sorting 13 homolog D; plus strand). Cytogenetic location: 1p36.22.
Variant type: single nucleotide variant.
Coding change: c.4351C>T on transcript NM_015378.4 (MANE Select); coding-DNA position 4351, C replaced by T.
Protein change: p.Arg1451Trp; replaces arginine 1451 with tryptophan.
Molecular consequence: missense variant.
Genome position (GRCh38, 1-based): chr1:12,277,939, C>T. VCF-style: chr1-12277939-C-T. GRCh37 (hg19) VCF-style: chr1-12337996-C-T.
Other names: c.4351C>T, p.Arg1451Trp (NM_018156.4); c.4351C>T (NM_015378.2); short protein forms R1451W.
Identifiers: ClinVar variation 2059495 (VCV002059495.5), dbSNP rs541278284, ClinGen allele CA602121.
Genomic context (GRCh38, chr1:12,277,939, plus strand): 5'-CTGTATTCTTTGAATTGCACCCAGTTGGCAGGTAGAGAAGCTGTTGGGTCTGAAGGAAGC[C>T]GGATGTTTTGCCCACCTTCCGGGTCTGGCAGTGCCAACAGTCAGGAGGAAGCTCATTTCA-3'
Protein context (NP_056193.2, residues 1441-1461): GREAVGSEGS[Arg1451Trp]MFCPPSGSGS

ClinVar aggregate classification (germline): Uncertain significance. Review status: criteria provided, multiple submitters, no conflicts (2 of 4 stars). 2 submissions from 2 submitters: Uncertain significance (2). Last evaluated 2024-10-10.

Conditions:
Inborn genetic diseases. Identifiers: MedGen C0950123, MeSH D030342.

Allele frequency attached by ClinVar (database versions not stated): ExAC 0.00005; 1000 Genomes Project 0.00020; 1000 Genomes Project 30x 0.00031.
gnomAD v4.1: 143 of 1,614,134 alleles (0.0089%); highest among the groups gnomAD compares: Non-Finnish European, 0.011%; no homozygotes.

Submissions (2):

Labcorp Genetics (formerly Invitae), Labcorp
Classification: Uncertain significance. Last evaluated: 2024-10-10. Review status: criteria provided, single submitter. Criteria: Invitae Variant Classification Sherloc (09022015). Collection method: clinical testing. Allele origin: germline.
Comment: This sequence change replaces arginine, which is basic and polar, with tryptophan, which is neutral and slightly polar, at codon 1451 of the VPS13D protein (p.Arg1451Trp). This variant is present in population databases (rs541278284, gnomAD 0.01%). This variant has not been reported in the literature in individuals affected with VPS13D-related conditions. ClinVar contains an entry for this variant (Variation ID: 2059495). Invitae Evidence Modeling of protein sequence and biophysical properties (such as structural, functional, and spatial information, amino acid conservation, physicochemical variation, residue mobility, and thermodynamic stability) indicates that this missense variant is not expected to disrupt VPS13D protein function with a negative predictive value of 80%. In summary, the available evidence is currently insufficient to determine the role of this variant in disease. Therefore, it has been classified as a Variant of Uncertain Significance.

Ambry Genetics
Classification: Uncertain significance for Inborn genetic diseases. Last evaluated: 2023-03-24. Review status: criteria provided, single submitter. Criteria: Ambry Variant Classification Scheme 2023. Collection method: clinical testing. Allele origin: germline.